The following is an entry in ClinVar:

NM_017547.4(FOXRED1):c.22C>T (p.His8Tyr)

Genes: FOXRED1 (FAD dependent oxidoreductase domain containing 1; plus strand), LOC130007026 (ATAC-STARR-seq lymphoblastoid active region 5705; plus strand). Cytogenetic location: 11q24.2.
Variant type: single nucleotide variant.
Coding change: c.22C>T on transcript NM_017547.4 (MANE Select); coding-DNA position 22, C replaced by T.
Protein change: p.His8Tyr; replaces histidine 8 with tyrosine.
Molecular consequence: missense variant. On other transcripts: non-coding transcript variant (2).
Genome position (GRCh38, 1-based): chr11:126,269,228, C>T. VCF-style: chr11-126269228-C-T. GRCh37 (hg19) VCF-style: chr11-126139123-C-T.
Other names: short protein forms H8Y.
Identifiers: ClinVar variation 2061595 (VCV002061595.1), dbSNP rs769743187, ClinGen allele CA6353920.

ClinVar aggregate classification (germline): Uncertain significance (1 of 4 stars; one submission).

Allele frequency attached by ClinVar (database versions not stated): ExAC 0.00001; gnomAD exomes 0.00001.
gnomAD v4.1: 3 of 1,614,030 alleles (0.00019%); highest among the groups gnomAD compares: East Asian, 0.0067%; no homozygotes.

Submission:

Labcorp Genetics (formerly Invitae), Labcorp
Classification: Uncertain significance. Last evaluated: 2022-08-19. Review status: criteria provided, single submitter. Criteria: Invitae Variant Classification Sherloc (09022015). Collection method: clinical testing. Allele origin: germline.
Comment: This sequence change replaces histidine, which is basic and polar, with tyrosine, which is neutral and polar, at codon 8 of the FOXRED1 protein (p.His8Tyr). This variant is present in population databases (rs769743187, gnomAD 0.01%). This variant has not been reported in the literature in individuals affected with FOXRED1-related conditions. Advanced modeling of protein sequence and biophysical properties (such as structural, functional, and spatial information, amino acid conservation, physicochemical variation, residue mobility, and thermodynamic stability) performed at Invitae indicates that this missense variant is not expected to disrupt FOXRED1 protein function. In summary, the available evidence is currently insufficient to determine the role of this variant in disease. Therefore, it has been classified as a Variant of Uncertain Significance.